The following is an entry in ClinVar:

ClinVar aggregate classification (germline): Uncertain significance (1 of 4 stars; one submission).

Conditions:
Malignant hyperthermia, susceptibility to, 5 (MHS5). Also called: CACNA1S-Related Malignant Hyperthermia Susceptibility. Identifiers: Orphanet 423, MedGen C1866077, MONDO:0011163, OMIM 601887.

Submission:

All of Us Research Program, National Institutes of Health
Classification: Uncertain significance for Malignant hyperthermia, susceptibility to, 5. Last evaluated: 2023-11-30. Review status: criteria provided, single submitter. Criteria: ACMG Guidelines, 2015. Collection method: clinical testing. Allele origin: germline. Inheritance: Autosomal dominant inheritance. Observed: 1 variant allele, 1 heterozygote.
Comment: This study involves interpretation of variants in research participants for the purpose of population health screening. Participant phenotype was not available at the time of variant classification. Additional details can be found in publication PMID: 35346344, PMCID: PMC8962531

NM_000069.3(CACNA1S):c.4042G>A (p.Glu1348Lys)

Gene: CACNA1S (calcium voltage-gated channel subunit alpha1 S; minus strand). Cytogenetic location: 1q32.1.
Variant type: single nucleotide variant.
Coding change: c.4042G>A on transcript NM_000069.3 (MANE Select); coding-DNA position 4042, G replaced by A.
Protein change: p.Glu1348Lys; replaces glutamic acid 1348 with lysine.
Molecular consequence: missense variant.
Genome position (GRCh38, 1-based): chr1:201,051,055, C>T on the plus strand (G>A on the coding strand, the complement: CACNA1S is on the minus strand). VCF-style: chr1-201051055-C-T. GRCh37 (hg19) VCF-style: chr1-201020183-C-T.
Other names: short protein forms E1348K.
Identifiers: ClinVar variation 3074001 (VCV003074001.1), dbSNP rs1431549925, ClinGen allele CA344150239.